The following is an entry in ClinVar:

ClinVar aggregate classification (germline): Conflicting classifications of pathogenicity. Review status: criteria provided, conflicting classifications (1 of 4 stars). 4 submissions from 4 submitters: Uncertain significance (3); Likely benign (1). Last evaluated 2025-03-11.

Conditions:
Gastrointestinal stromal tumor. Also called: Gastrointestinal stromal tumor, somatic; Gastrointestinal stroma tumor. Identifiers: Orphanet 44890, MedGen C0238198, MeSH D046152, MONDO:0011719, OMIM 606764, HP:0100723.
Acute myeloid leukemia (AML). Also called: Acute myeloid leukemia, adult; AML adult; Acute non-lymphocytic leukemia; Acute granulocytic leukemia; Leukemia, acute myeloid, somatic; Leukemia, acute myelogenous, somatic. Identifiers: Orphanet 519, MedGen C0023467, MeSH D015470, MONDO:0018874, OMIM 601626, HP:0004808. Disease mechanism: Constitutively activated FLT3.
Cutaneous mastocytosis. Also called: MASTOCYTOSIS, MACULOPAPULAR CUTANEOUS. Identifiers: Orphanet 66646, MedGen C1136033, MONDO:0019023, OMIM 154800, HP:0200151.
Piebaldism. Also called: Piebald skin depigmentation. Identifiers: Orphanet 2884, MedGen C0080024, MONDO:0008244, OMIM 172800, HP:0007544.
Germ cell tumor of testis (TGCT). Also called: GERM CELL TUMOR, SOMATIC; Testicular germ cell tumor. Identifiers: Orphanet 363504, MedGen C1336708, MONDO:0010108, OMIM 273300.
Hereditary cancer-predisposing syndrome. Also called: Tumor predisposition; Neoplastic Syndromes, Hereditary; Hereditary neoplastic syndrome; Hereditary Cancer Syndrome. Identifiers: Orphanet 140162, MedGen C0027672, MeSH D009386, MONDO:0015356.

Allele frequency attached by ClinVar (database versions not stated): gnomAD exomes 0.00002.
gnomAD v4.1: 22 of 1,613,960 alleles (0.0014%); highest among the groups gnomAD compares: Non-Finnish European, 0.0018%; no homozygotes.

Submissions (4):

Labcorp Genetics (formerly Invitae), Labcorp
Classification: Uncertain significance for Gastrointestinal stromal tumor. Last evaluated: 2025-03-11. Review status: criteria provided, single submitter. Criteria: Invitae Variant Classification Sherloc (09022015). Collection method: clinical testing. Allele origin: germline.
Comment: This sequence change replaces methionine, which is neutral and non-polar, with isoleucine, which is neutral and non-polar, at codon 289 of the KIT protein (p.Met289Ile). This variant is not present in population databases (gnomAD no frequency). This variant has not been reported in the literature in individuals affected with KIT-related conditions. ClinVar contains an entry for this variant (Variation ID: 858552). An algorithm developed to predict the effect of missense changes on protein structure and function (PolyPhen-2) suggests that this variant is likely to be tolerated. In summary, the available evidence is currently insufficient to determine the role of this variant in disease. Therefore, it has been classified as a Variant of Uncertain Significance.

Ambry Genetics
Classification: Likely benign for Hereditary cancer-predisposing syndrome. Last evaluated: 2024-12-16. Review status: criteria provided, single submitter. Criteria: Ambry Variant Classification Scheme 2023. Collection method: clinical testing. Allele origin: germline.

Fulgent Genetics
Classification: Uncertain significance for Cutaneous mastocytosis; Piebaldism; Germ cell tumor of testis; Acute myeloid leukemia; Gastrointestinal stromal tumor. Last evaluated: 2024-02-02. Review status: criteria provided, single submitter. Criteria: ACMG Guidelines, 2015. Collection method: clinical testing. Allele origin: germline.

GeneDx
Classification: Uncertain significance. Last evaluated: 2023-03-22. Review status: criteria provided, single submitter. Criteria: GeneDx Variant Classification Process June 2021. Collection method: clinical testing. Allele origin: germline. Affected: yes.
Comment: Not observed at significant frequency in large population cohorts (gnomAD); In silico analysis supports that this missense variant does not alter protein structure/function; Has not been previously published as pathogenic or benign to our knowledge

NM_000222.3(KIT):c.867G>A (p.Met289Ile)

Gene: KIT (KIT proto-oncogene, receptor tyrosine kinase; plus strand). Cytogenetic location: 4q12.
Variant type: single nucleotide variant.
Coding change: c.867G>A on transcript NM_000222.3 (MANE Select); coding-DNA position 867, G replaced by A.
Protein change: p.Met289Ile; replaces methionine 289 with isoleucine.
Molecular consequence: missense variant.
Genome position (GRCh38, 1-based): chr4:54,703,834, G>A. VCF-style: chr4-54703834-G-A. GRCh37 (hg19) VCF-style: chr4-55570000-G-A.
Other names: c.867G>A, p.Met289Ile (NM_001093772.2, NM_001385285.1, NM_001385286.1); c.870G>A, p.Met290Ile (NM_001385284.1, NM_001385288.1, NM_001385290.1 and 1 more transcripts); short protein forms M289I, M290I.
Identifiers: ClinVar variation 858552 (VCV000858552.13), dbSNP rs1297145844, ClinGen allele CA356899969.